The following is an entry in ClinVar:

NM_006662.3(SRCAP):c.4904C>G (p.Ser1635Trp)

Gene: SRCAP (Snf2 related CREBBP activator protein; plus strand). Cytogenetic location: 16p11.2.
Variant type: single nucleotide variant.
Coding change: c.4904C>G on transcript NM_006662.3 (MANE Select); coding-DNA position 4904, C replaced by G.
Protein change: p.Ser1635Trp; replaces serine 1635 with tryptophan.
Molecular consequence: missense variant.
Genome position (GRCh38, 1-based): chr16:30,724,328, C>G. VCF-style: chr16-30724328-C-G. GRCh37 (hg19) VCF-style: chr16-30735649-C-G.
Other names: short protein forms S1635W.
Identifiers: ClinVar variation 1719672 (VCV001719672.5), dbSNP rs570036862, ClinGen allele CA395616860.

ClinVar aggregate classification (germline): Uncertain significance (1 of 4 stars; one submission).

gnomAD v4.1: 1 of 1,614,136 alleles (0.000062%); highest among the groups gnomAD compares: Non-Finnish European, 0.000085%; no homozygotes.

Submission:

Labcorp Genetics (formerly Invitae), Labcorp
Classification: Uncertain significance. Last evaluated: 2026-01-12. Review status: criteria provided, single submitter. Criteria: Invitae Variant Classification Sherloc (09022015). Collection method: clinical testing. Allele origin: germline.
Comment: This sequence change replaces serine, which is neutral and polar, with tryptophan, which is neutral and slightly polar, at codon 1635 of the SRCAP protein (p.Ser1635Trp). This variant is not present in population databases (gnomAD no frequency). This variant has not been reported in the literature in individuals affected with SRCAP-related conditions. ClinVar contains an entry for this variant (Variation ID: 1719672). Invitae Evidence Modeling of protein sequence and biophysical properties (such as structural, functional, and spatial information, amino acid conservation, physicochemical variation, residue mobility, and thermodynamic stability) indicates that this missense variant is not expected to disrupt SRCAP protein function with a negative predictive value of 80%. In summary, the available evidence is currently insufficient to determine the role of this variant in disease. Therefore, it has been classified as a Variant of Uncertain Significance.